The following is an entry in ClinVar:

NM_004629.2(FANCG):c.63C>A (p.Asp21Glu)

Gene: FANCG (FA complementation group G; minus strand). Cytogenetic location: 9p13.3.
Variant type: single nucleotide variant.
Coding change: c.63C>A on transcript NM_004629.2 (MANE Select); coding-DNA position 63, C replaced by A.
Protein change: p.Asp21Glu; replaces aspartic acid 21 with glutamic acid.
Molecular consequence: missense variant.
Genome position (GRCh38, 1-based): chr9:35,079,462, G>T on the plus strand (C>A on the coding strand, the complement: FANCG is on the minus strand). VCF-style: chr9-35079462-G-T. GRCh37 (hg19) VCF-style: chr9-35079459-G-T.
Other names: short protein forms D21E.
Identifiers: ClinVar variation 2165434 (VCV002165434.5), dbSNP rs1829144511, ClinGen allele CA373315920.

ClinVar aggregate classification (germline): Uncertain significance. Review status: criteria provided, multiple submitters, no conflicts (2 of 4 stars). 2 submissions from 2 submitters: Uncertain significance (2). Last evaluated 2024-08-21.

Conditions:
Inborn genetic diseases. Identifiers: MedGen C0950123, MeSH D030342.
Fanconi anemia (FA). Also called: Fanconi's anemia. Identifiers: Orphanet 84, MedGen C0015625, MeSH D005199, MONDO:0019391.

Allele frequency attached by ClinVar (database versions not stated): gnomAD exomes below 0.00001; TOPMed below 0.00001.

Submissions (2):

Labcorp Genetics (formerly Invitae), Labcorp
Classification: Uncertain significance for Fanconi anemia. Last evaluated: 2024-08-21. Review status: criteria provided, single submitter. Criteria: Invitae Variant Classification Sherloc (09022015). Collection method: clinical testing. Allele origin: germline.
Comment: This sequence change replaces aspartic acid, which is acidic and polar, with glutamic acid, which is acidic and polar, at codon 21 of the FANCG protein (p.Asp21Glu). This variant is not present in population databases (gnomAD no frequency). This variant has not been reported in the literature in individuals affected with FANCG-related conditions. ClinVar contains an entry for this variant (Variation ID: 2165434). Invitae Evidence Modeling of protein sequence and biophysical properties (such as structural, functional, and spatial information, amino acid conservation, physicochemical variation, residue mobility, and thermodynamic stability) indicates that this missense variant is not expected to disrupt FANCG protein function with a negative predictive value of 80%. In summary, the available evidence is currently insufficient to determine the role of this variant in disease. Therefore, it has been classified as a Variant of Uncertain Significance.

Ambry Genetics
Classification: Uncertain significance for Inborn genetic diseases. Last evaluated: 2022-09-07. Review status: criteria provided, single submitter. Criteria: Ambry Variant Classification Scheme 2023. Collection method: clinical testing. Allele origin: germline.